The following is an entry in ClinVar:

NM_018100.4(EFHC1):c.237A>T (p.Gln79His)

Gene: EFHC1 (EF-hand domain containing 1; plus strand). Cytogenetic location: 6p12.2.
Variant type: single nucleotide variant.
Coding change: c.237A>T on transcript NM_018100.4 (MANE Select); coding-DNA position 237, A replaced by T.
Protein change: p.Gln79His; replaces glutamine 79 with histidine.
Molecular consequence: missense variant. On other transcripts: non-coding transcript variant (1).
Genome position (GRCh38, 1-based): chr6:52,424,119, A>T. VCF-style: chr6-52424119-A-T. GRCh37 (hg19) VCF-style: chr6-52288917-A-T.
Other names: c.180A>T, p.Gln60His (NM_001172420.2); short protein forms Q79H, Q60H.
Identifiers: ClinVar variation 1492544 (VCV001492544.8), dbSNP rs2113966975, ClinGen allele CA364456721.

ClinVar aggregate classification (germline): Uncertain significance (1 of 4 stars; one submission).

Conditions:
Myoclonic epilepsy, juvenile, susceptibility to, 1. Also called: Myoclonic Epilepsy, Juvenile, 1; EJM1. Identifiers: MedGen C1850778, MONDO:0020752, OMIM 254770.
Absence seizure. Also called: Absence epilepsy. Identifiers: Orphanet 1941, MedGen C0014553.

Submission:

Labcorp Genetics (formerly Invitae), Labcorp
Classification: Uncertain significance for Myoclonic epilepsy, juvenile, susceptibility to, 1; Absence seizure. Last evaluated: 2020-11-21. Review status: criteria provided, single submitter. Criteria: Invitae Variant Classification Sherloc (09022015). Collection method: clinical testing. Allele origin: germline.
Comment: This variant has not been reported in the literature in individuals with EFHC1-related conditions. This variant is not present in population databases (ExAC no frequency). This sequence change replaces glutamine with histidine at codon 79 of the EFHC1 protein (p.Gln79His). The glutamine residue is moderately conserved and there is a small physicochemical difference between glutamine and histidine. Algorithms developed to predict the effect of missense changes on protein structure and function are either unavailable or do not agree on the potential impact of this missense change (SIFT: "Tolerated"; PolyPhen-2: "Possibly Damaging"; Align-GVGD: "Class C0"). In summary, the available evidence is currently insufficient to determine the role of this variant in disease. Therefore, it has been classified as a Variant of Uncertain Significance.